The following is an entry in ClinVar:

NM_000284.4(PDHA1):c.1045G>A (p.Ala349Thr)

Gene: PDHA1 (pyruvate dehydrogenase E1 subunit alpha 1; plus strand). Cytogenetic location: Xp22.12.
Variant type: single nucleotide variant.
Coding change: c.1045G>A on transcript NM_000284.4 (MANE Select); coding-DNA position 1045, G replaced by A.
Protein change: p.Ala349Thr; replaces alanine 349 with threonine.
Molecular consequence: missense variant.
Genome position (GRCh38, 1-based): chrX:19,359,525, G>A. VCF-style: chrX-19359525-G-A. GRCh37 (hg19) VCF-style: chrX-19377643-G-A.
Other names: c.1045G>A (NM_000284.3); c.1159G>A, p.Ala387Thr (NM_001173454.2); c.1066G>A, p.Ala356Thr (NM_001173455.2); c.952G>A, p.Ala318Thr (NM_001173456.2); short protein forms A349T, A387T, A356T, A318T.
Identifiers: ClinVar variation 291255 (VCV000291255.8), dbSNP rs886044701, ClinGen allele CA10607080.

ClinVar aggregate classification (germline): Conflicting classifications of pathogenicity. Review status: criteria provided, conflicting classifications (1 of 4 stars). 3 submissions from 3 submitters: Likely pathogenic (1); Uncertain significance (1). 1 of the submissions does not count toward it. Last evaluated 2021-05-06.

Conditions:
Pyruvate dehydrogenase E1-alpha deficiency (PDHAD). Also called: ATAXIA, INTERMITTENT, WITH PYRUVATE DEHYDROGENASE DEFICIENCY; ATAXIA WITH LACTIC ACIDOSIS I; ATAXIA, INTERMITTENT, WITH ABNORMAL PYRUVATE METABOLISM; Ataxia, intermittent, with pyruvate dehydrogenase, or decarboxylase, deficiency. Identifiers: Orphanet 79243, MedGen C1839413, MONDO:0010717, OMIM 312170.

Submissions (3):

Victorian Clinical Genetics Services, Murdoch Childrens Research Institute
Classification: Likely pathogenic for Pyruvate dehydrogenase E1-alpha deficiency. Last evaluated: 2021-05-06. Review status: criteria provided, single submitter. Criteria: ACMG Guidelines, 2015. Collection method: clinical testing. Allele origin: germline. Inheritance: X-linked dominant inheritance. Affected: yes.
Comment: Based on the classification scheme VCGS_Germline_v1.3.4, this variant is classified as Likely Pathogenic. Following criteria are met: 0102 - Loss of function is a known mechanism of disease in this gene and is associated with pyruvate dehydrogenase E1-alpha deficiency (MIM#312170). (I) 0110 - This gene is associated with X-linked disease. Both males and females can be affected to varying degrees (OMIM). (I) 0115 - Variants in this gene are known to have variable expressivity. Depending on the residual enzymatic activity resulting from the PDHA1 variant, the severity of phenotypic presentation can vary. Additionally, the severity in females is dependent on X-chromosome inactivation patterns (OMIM, PMID: 22142326). (I) 0200 - Variant is predicted to result in a missense amino acid change from alanine to threonine. (I) 0253 - This variant is hemizygous. (I) 0301 - Variant is absent from gnomAD (both v2 and v3). (SP) 0501 - Missense variant consistently predicted to be damaging by multiple in silico tools or highly conserved with a major amino acid change. (SP) 0600 - Variant is located in the annotated dehydrogenase E1 component (NCBI, PDB). (I) 0704 - Another missense variant comparable to the one identified in this case has limited previous evidence for pathogenicity. An alternative change to valine at the same residue has previously been classified as likely pathogenic (ClinVar). (SP) 0808 - Previous reports of pathogenicity for this variant are conflicting. The variant has previously been reported in one hemizygous individual with an intermittant milder form of PDHC deficiency, in whom inheritance information and family history was unobtainable, however it has also been classified as a VUS in ClinVar (PMID: 22142326). (I) 0905 - No published segregation evidence has been identified for this variant. (I) 1006 - Clinically accredited laboratory assay shows abnormal function of product not specific to the gene. Pyruvate dehydrogenase activity in cultured fibroblasts from this individual measured moderately below the normal range (Oxford Regional Genetics Laboratories). (I) Legend: (SP) - Supporting pathogenic, (I) - Information, (SB) - Supporting benign

Eurofins Ntd Llc (ga)
Classification: Uncertain significance. Last evaluated: 2016-09-16. Review status: criteria provided, single submitter. Criteria: EGL Classification Definitions 2015. Collection method: clinical testing. Allele origin: germline. Observed: 1 variant allele, 1 hemizygote.

PDHA1 Study Group, University Children’s Hospital, Paracelsus Medical University
Classification: Likely pathogenic for Pyruvate dehydrogenase E1-alpha deficiency. Last evaluated: 2024-10-15. Review status: no assertion criteria provided. Collection method: research. Allele origin: germline. Affected: yes. Observed: 4 variant alleles. Not counted in ClinVar's aggregate classification.
Comment: The NM_000284.3:c.1045G>A (p.Ala349Thr) substitution is a missense variant in PDHA1 gene. In total, 4 individuals were diagnosed with PDHA1-related Pyruvate dehydrogenase complex (PDHc) deficiency (MIM #312170). These include 4 males. The variant has been reported in 3 published cases (PMIDs: 22142326, 28918066, 23021068). Last literature search: July 12, 2024. This variant is absent or extremely rare in population-based cohorts in the Genome Aggregation Database (gnomAD). Individuals harboring this variant presented with clinical features compatible with PDHA1-related PDHc deficiency. In summary, this variant meets criteria to be classified as likely pathogenic (LP) for PDHA1-related PDHc deficiency based on the ACMG/AMP criteria applied: PM1, PM2, PM7, PP3 (last assessment October 15, 2024).

Literature cited by the submitters: PubMed 22142326 (cited by Victorian Clinical Genetics Services, Murdoch Childrens Research Institute and PDHA1 Study Group, University Children’s Hospital, Paracelsus Medical University); PubMed 28918066 (cited by PDHA1 Study Group, University Children’s Hospital, Paracelsus Medical University); PubMed 23021068 (cited by PDHA1 Study Group, University Children’s Hospital, Paracelsus Medical University); DOI 10.1093/brain/awaf430 (cited by PDHA1 Study Group, University Children’s Hospital, Paracelsus Medical University).